The following is an entry in ClinVar:

NM_021930.6(RINT1):c.1319C>T (p.Thr440Met)

Gene: RINT1 (RAD50 interactor 1; plus strand). Cytogenetic location: 7q22.3.
Variant type: single nucleotide variant.
Coding change: c.1319C>T on transcript NM_021930.6 (MANE Select); coding-DNA position 1319, C replaced by T.
Protein change: p.Thr440Met; replaces threonine 440 with methionine.
Molecular consequence: missense variant. On other transcripts: non-coding transcript variant (1).
Genome position (GRCh38, 1-based): chr7:105,550,472, C>T. VCF-style: chr7-105550472-C-T. GRCh37 (hg19) VCF-style: chr7-105190919-C-T.
Other names: c.1085C>T, p.Thr362Met (NM_001346599.2); c.296C>T, p.Thr99Met (NM_001346600.2, NM_001346603.2); c.395C>T, p.Thr132Met (NM_001346601.2); short protein forms T99M, T132M, T362M, T440M.
Identifiers: ClinVar variation 1348020 (VCV001348020.10), dbSNP rs748023287, ClinGen allele CA4426642.

ClinVar aggregate classification (germline): Uncertain significance. Review status: criteria provided, multiple submitters, no conflicts (2 of 4 stars). 2 submissions from 2 submitters: Uncertain significance (2). Last evaluated 2025-02-23.

Allele frequency attached by ClinVar (database versions not stated): ExAC 0.00002; gnomAD 0.00002 and 0.00003; gnomAD exomes 0.00002.

Submissions (2):

Labcorp Genetics (formerly Invitae), Labcorp
Classification: Uncertain significance. Last evaluated: 2025-02-23. Review status: criteria provided, single submitter. Criteria: Invitae Variant Classification Sherloc (09022015). Collection method: clinical testing. Allele origin: germline.
Comment: This sequence change replaces threonine, which is neutral and polar, with methionine, which is neutral and non-polar, at codon 440 of the RINT1 protein (p.Thr440Met). This variant is present in population databases (rs748023287, gnomAD 0.003%). This variant has not been reported in the literature in individuals affected with RINT1-related conditions. ClinVar contains an entry for this variant (Variation ID: 1348020). An algorithm developed to predict the effect of missense changes on protein structure and function (PolyPhen-2) suggests that this variant is likely to be disruptive. In summary, the available evidence is currently insufficient to determine the role of this variant in disease. Therefore, it has been classified as a Variant of Uncertain Significance.

Ambry Genetics
Classification: Uncertain significance. Last evaluated: 2023-12-20. Review status: criteria provided, single submitter. Criteria: Ambry Variant Classification Scheme 2023. Collection method: clinical testing. Allele origin: germline.
Comment: The p.T440M variant (also known as c.1319C>T), located in coding exon 9 of the RINT1 gene, results from a C to T substitution at nucleotide position 1319. The threonine at codon 440 is replaced by methionine, an amino acid with similar properties. This amino acid position is well conserved in available vertebrate species. In addition, the in silico prediction for this alteration is inconclusive. The evidence for this gene-disease relationship is limited; therefore, the clinical significance of this alteration is unclear.